The following is an entry in ClinVar:

NM_181882.3(PRX):c.99C>G (p.Asn33Lys)

Genes: PRX (periaxin; minus strand), LOC130064454 (ATAC-STARR-seq lymphoblastoid active region 14650; plus strand). Cytogenetic location: 19q13.2.
Variant type: single nucleotide variant.
Coding change: c.99C>G on transcript NM_181882.3 (MANE Select); coding-DNA position 99, C replaced by G.
Protein change: p.Asn33Lys; replaces asparagine 33 with lysine.
Molecular consequence: missense variant.
Genome position (GRCh38, 1-based): chr19:40,403,791, G>C on the plus strand (C>G on the coding strand, the complement: PRX is on the minus strand). VCF-style: chr19-40403791-G-C. GRCh37 (hg19) VCF-style: chr19-40909698-G-C.
Other names: c.384C>G, p.Asn128Lys (NM_001411127.1); c.99C>G, p.Asn33Lys (NM_020956.2); short protein forms N33K, N128K.
Identifiers: ClinVar variation 1768879 (VCV001768879.2), dbSNP rs1490334646, ClinGen allele CA405901862.

ClinVar aggregate classification (germline): Uncertain significance (1 of 4 stars; one submission).

Conditions:
Inborn genetic diseases. Identifiers: MedGen C0950123, MeSH D030342.

Submission:

Ambry Genetics
Classification: Uncertain significance for Inborn genetic diseases. Last evaluated: 2022-06-27. Review status: criteria provided, single submitter. Criteria: Ambry Variant Classification Scheme 2023. Collection method: clinical testing. Allele origin: germline.
Comment: The p.N33K variant (also known as c.99C>G), located in coding exon 2 of the PRX gene, results from a C to G substitution at nucleotide position 99. The asparagine at codon 33 is replaced by lysine, an amino acid with similar properties. This amino acid position is conserved. In addition, this alteration is predicted to be tolerated by in silico analysis. Since supporting evidence is limited at this time, the clinical significance of this alteration remains unclear.